The following is an entry in ClinVar:

NM_021930.6(RINT1):c.662A>T (p.His221Leu)

Gene: RINT1 (RAD50 interactor 1; plus strand). Cytogenetic location: 7q22.3.
Variant type: single nucleotide variant.
Coding change: c.662A>T on transcript NM_021930.6 (MANE Select); coding-DNA position 662, A replaced by T.
Protein change: p.His221Leu; replaces histidine 221 with leucine.
Molecular consequence: missense variant. On other transcripts: 5 prime UTR variant (2), non-coding transcript variant (1), intron variant (1).
Genome position (GRCh38, 1-based): chr7:105,547,056, A>T. VCF-style: chr7-105547056-A-T. GRCh37 (hg19) VCF-style: chr7-105187503-A-T.
Other names: c.428A>T, p.His143Leu (NM_001346599.2); c.-358A>T (NM_001346600.2); c.-261A>T (NM_001346601.2); c.-27-2999A>T (NM_001346603.2); short protein forms H221L, H143L.
Identifiers: ClinVar variation 3945971 (VCV003945971.1).

ClinVar aggregate classification (germline): Uncertain significance (1 of 4 stars; one submission).

gnomAD v4.1: 1 of 1,613,780 alleles (0.000062%); highest among the groups gnomAD compares: African/African-American, 0.0013%; no homozygotes.

Submission:

Ambry Genetics
Classification: Uncertain significance. Last evaluated: 2025-03-20. Review status: criteria provided, single submitter. Criteria: Ambry Variant Classification Scheme 2023. Collection method: clinical testing. Allele origin: germline.
Comment: The p.H221L variant (also known as c.662A>T), located in coding exon 5 of the RINT1 gene, results from an A to T substitution at nucleotide position 662. The histidine at codon 221 is replaced by leucine, an amino acid with similar properties. This amino acid position is conserved. In addition, the in silico prediction for this alteration is inconclusive. Based on the available evidence, the clinical significance of this variant remains unclear.